The following is an entry in ClinVar:

NM_000722.4(CACNA2D1):c.3208T>C (p.Trp1070Arg)

Gene: CACNA2D1 (calcium voltage-gated channel auxiliary subunit alpha2delta 1; minus strand). Cytogenetic location: 7q21.11.
Variant type: single nucleotide variant.
Coding change: c.3208T>C on transcript NM_000722.4 (MANE Select); coding-DNA position 3208, T replaced by C.
Protein change: p.Trp1070Arg; replaces tryptophan 1070 with arginine.
Molecular consequence: missense variant.
Genome position (GRCh38, 1-based): chr7:81,950,460, A>G on the plus strand (T>C on the coding strand, the complement: CACNA2D1 is on the minus strand). VCF-style: chr7-81950460-A-G. GRCh37 (hg19) VCF-style: chr7-81579776-A-G.
Other names: c.3244T>C, p.Trp1082Arg (NM_001366867.1); short protein forms W1070R, W1082R.
Identifiers: ClinVar variation 1496679 (VCV001496679.8), dbSNP rs1024010075, ClinGen allele CA161116514.

ClinVar aggregate classification (germline): Uncertain significance (1 of 4 stars; one submission).

Conditions:
Brugada syndrome. Also called: Sudden unexpected nocturnal death syndrome; Sudden Unexplained Death Syndrome; Sudden Unexplained Nocturnal Death Syndrome (SUNDS); Sudden unexplained nocturnal death syndrome. Identifiers: Orphanet 130, MedGen C1142166, MONDO:0015263.

Allele frequency attached by ClinVar (database versions not stated): gnomAD 0.00001; gnomAD exomes 0.00001; TOPMed 0.00001.
gnomAD v4.1: 16 of 1,613,176 alleles (0.00099%); highest among the groups gnomAD compares: African/African-American, 0.0013%; no homozygotes.

Submission:

Labcorp Genetics (formerly Invitae), Labcorp
Classification: Uncertain significance for Brugada syndrome. Last evaluated: 2021-07-13. Review status: criteria provided, single submitter. Criteria: Invitae Variant Classification Sherloc (09022015). Collection method: clinical testing. Allele origin: germline.
Comment: In summary, the available evidence is currently insufficient to determine the role of this variant in disease. Therefore, it has been classified as a Variant of Uncertain Significance. Algorithms developed to predict the effect of missense changes on protein structure and function are either unavailable or do not agree on the potential impact of this missense change (SIFT: "Tolerated"; PolyPhen-2: "Probably Damaging"; Align-GVGD: "Class C0"). This variant has not been reported in the literature in individuals affected with CACNA2D1-related conditions. This variant is not present in population databases (ExAC no frequency). This sequence change replaces tryptophan with arginine at codon 1070 of the CACNA2D1 protein (p.Trp1070Arg). The tryptophan residue is moderately conserved and there is a moderate physicochemical difference between tryptophan and arginine.